The following is an entry in ClinVar:

ClinVar aggregate classification (germline): Uncertain significance. Review status: criteria provided, multiple submitters, no conflicts (2 of 4 stars). 2 submissions from 2 submitters: Uncertain significance (2). Last evaluated 2024-02-01.

Conditions:
Hereditary pancreatitis (PCTT). Also called: Hereditary chronic pancreatitis; PRSS1-Related Hereditary Pancreatitis. Identifiers: Orphanet 676, MedGen C0238339, MONDO:0008185, OMIM 167800.

Allele frequency attached by ClinVar (database versions not stated): gnomAD exomes below 0.00001.
gnomAD v4.1: 1 of 1,612,548 alleles (0.000062%); highest among the groups gnomAD compares: South Asian, 0.0011%; no homozygotes.

Submissions (2):

Labcorp Genetics (formerly Invitae), Labcorp
Classification: Uncertain significance for Hereditary pancreatitis. Last evaluated: 2024-02-01. Review status: criteria provided, single submitter. Criteria: Invitae Variant Classification Sherloc (09022015). Collection method: clinical testing. Allele origin: germline.
Comment: This sequence change replaces alanine, which is neutral and non-polar, with valine, which is neutral and non-polar, at codon 23 of the SPINK1 protein (p.Ala23Val). This variant is present in population databases (no rsID available, gnomAD 0.003%). This variant has not been reported in the literature in individuals affected with SPINK1-related conditions. ClinVar contains an entry for this variant (Variation ID: 1756060). An algorithm developed to predict the effect of missense changes on protein structure and function (PolyPhen-2) suggests that this variant is likely to be disruptive. In summary, the available evidence is currently insufficient to determine the role of this variant in disease. Therefore, it has been classified as a Variant of Uncertain Significance.

Ambry Genetics
Classification: Uncertain significance for Hereditary pancreatitis. Last evaluated: 2022-04-01. Review status: criteria provided, single submitter. Criteria: Ambry Variant Classification Scheme 2023. Collection method: clinical testing. Allele origin: germline.
Comment: The p.A23V variant (also known as c.68C>T), located in coding exon 2 of the SPINK1 gene, results from a C to T substitution at nucleotide position 68. The alanine at codon 23 is replaced by valine, an amino acid with similar properties. This amino acid position is conserved. In addition, this alteration is predicted to be tolerated by in silico analysis. Since supporting evidence is limited at this time, the clinical significance of this alteration remains unclear.

NM_001379610.1(SPINK1):c.68C>T (p.Ala23Val)

Gene: SPINK1 (serine peptidase inhibitor Kazal type 1; minus strand). Cytogenetic location: 5q32.
Variant type: single nucleotide variant.
Coding change: c.68C>T on transcript NM_001379610.1 (MANE Select); coding-DNA position 68, C replaced by T.
Protein change: p.Ala23Val; replaces alanine 23 with valine.
Molecular consequence: missense variant.
Genome position (GRCh38, 1-based): chr5:147,829,618, G>A on the plus strand (C>T on the coding strand, the complement: SPINK1 is on the minus strand). VCF-style: chr5-147829618-G-A. GRCh37 (hg19) VCF-style: chr5-147209181-G-A.
Other names: c.68C>T, p.Ala23Val (NM_001354966.2, NM_003122.5); short protein forms A23V.
Identifiers: ClinVar variation 1756060 (VCV001756060.4), dbSNP rs995510510, ClinGen allele CA129690186.